The following is an entry in ClinVar:

NM_000522.5(HOXA13):c.126A>G (p.Ala42=)

Genes: HOXA13 (homeobox A13; minus strand), LOC107126288 (NUP98-HOXA13 recombination region; plus strand). Cytogenetic location: 7p15.2.
Variant type: single nucleotide variant.
Coding change: c.126A>G on transcript NM_000522.5 (MANE Select); coding-DNA position 126, A replaced by G.
Protein change: p.Ala42=; no amino-acid change (alanine 42 retained).
Molecular consequence: synonymous variant.
Genome position (GRCh38, 1-based): chr7:27,199,952, T>C on the plus strand (A>G on the coding strand, the complement: HOXA13 is on the minus strand). VCF-style: chr7-27199952-T-C. GRCh37 (hg19) VCF-style: chr7-27239571-T-C.
Identifiers: ClinVar variation 3357650 (VCV003357650.1).

ClinVar aggregate classification (germline): Likely benign (0 of 4 stars; one submission).

Conditions:
HOXA13-related disorder. Also called: HOXA13-related condition.

Submission:

PreventionGenetics, part of Exact Sciences
Classification: Likely benign for HOXA13-related condition. Last evaluated: 2024-05-15. Review status: no assertion criteria provided. Collection method: clinical testing. Allele origin: germline.
Comment: This variant is classified as likely benign based on ACMG/AMP sequence variant interpretation guidelines (Richards et al. 2015 PMID: 25741868, with internal and published modifications).